The following is an entry in ClinVar:

NM_001904.4(CTNNB1):c.1033A>T (p.Lys345Ter)

Gene: CTNNB1 (catenin beta 1; plus strand). Cytogenetic location: 3p22.1.
Variant type: single nucleotide variant.
Coding change: c.1033A>T on transcript NM_001904.4 (MANE Select); coding-DNA position 1033, A replaced by T.
Protein change: p.Lys345Ter; replaces lysine 345 with a stop codon.
Molecular consequence: nonsense.
Genome position (GRCh38, 1-based): chr3:41,227,304, A>T. VCF-style: chr3-41227304-A-T. GRCh37 (hg19) VCF-style: chr3-41268795-A-T.
Other names: c.1033A>T, p.Lys345Ter (NM_001098209.2, NM_001098210.2); c.1012A>T, p.Lys338Ter (NM_001330729.2); short protein forms K338*, K345*.
Identifiers: ClinVar variation 1453663 (VCV001453663.6), dbSNP rs2125628072, ClinGen allele CA352231613.

ClinVar aggregate classification (germline): Pathogenic (1 of 4 stars; one submission).

Submission:

Labcorp Genetics (formerly Invitae), Labcorp
Classification: Pathogenic. Last evaluated: 2022-10-03. Review status: criteria provided, single submitter. Criteria: Invitae Variant Classification Sherloc (09022015). Collection method: clinical testing. Allele origin: germline.
Comment: For these reasons, this variant has been classified as Pathogenic. Algorithms developed to predict the effect of sequence changes on RNA splicing suggest that this variant may create or strengthen a splice site. ClinVar contains an entry for this variant (Variation ID: 1453663). This variant has not been reported in the literature in individuals affected with CTNNB1-related conditions. This variant is not present in population databases (gnomAD no frequency). This sequence change creates a premature translational stop signal (p.Lys345*) in the CTNNB1 gene. It is expected to result in an absent or disrupted protein product. Loss-of-function variants in CTNNB1 are known to be pathogenic (PMID: 23033978, 24614104, 25326669, 26350204, 28575650).

Literature cited by the submitters: PubMed 23033978; PubMed 24614104; PubMed 25326669; PubMed 26350204; PubMed 28575650.